The following is an entry in ClinVar:

NM_001205293.3(CACNA1E):c.2145T>G (p.Asp715Glu)

Gene: CACNA1E (calcium voltage-gated channel subunit alpha1 E; plus strand). Cytogenetic location: 1q25.3.
Variant type: single nucleotide variant.
Coding change: c.2145T>G on transcript NM_001205293.3 (MANE Select); coding-DNA position 2145, T replaced by G.
Protein change: p.Asp715Glu; replaces aspartic acid 715 with glutamic acid.
Molecular consequence: missense variant.
Genome position (GRCh38, 1-based): chr1:181,726,067, T>G. VCF-style: chr1-181726067-T-G. GRCh37 (hg19) VCF-style: chr1-181695203-T-G.
Other names: c.2145T>G, p.Asp715Glu (NM_000721.4, NM_001205294.2); short protein forms D715E.
Identifiers: ClinVar variation 1690606 (VCV001690606.2), dbSNP rs2102509671, ClinGen allele CA343628509.
Genomic context (GRCh38, chr1:181,726,067, plus strand): 5'-GGGAAGCTACTCTCCTTCCTGGGGATCCCAGGCAAAGCCATCTCTGCTTTGTGTCTAGGA[T>G]GAACAGGAGGAAGAAGAGGCCTTCAACCAGAAACATGCACTGCAGAAGGCCAAGGAGGTC-3'
Protein context (NP_001192222.1, residues 705-725): NLANAQELTK[Asp715Glu]EQEEEEAFNQ

ClinVar aggregate classification (germline): Uncertain significance (1 of 4 stars; one submission).

Submission:

Laboratorio de Genetica e Diagnostico Molecular, Hospital Israelita Albert Einstein
Classification: Uncertain significance. Last evaluated: 2022-04-09. Review status: criteria provided, single submitter. Criteria: ACMG Guidelines, 2015. Collection method: clinical testing. Allele origin: germline. Affected: yes.
Comment: ACMG classification criteria: PM2, PP2